The following is an entry in ClinVar:

ClinVar aggregate classification (germline): Uncertain significance. Review status: criteria provided, multiple submitters, no conflicts (2 of 4 stars). 2 submissions from 2 submitters: Uncertain significance (2). Last evaluated 2023-05-10.

Conditions:
SYNE1-related disorder. Also called: SYNE1-related disorders; SYNE1-related disease; SYNE1-related condition.
Emery-Dreifuss muscular dystrophy 4, autosomal dominant (EDMD4). Also called: EMERY-DREIFUSS MUSCULAR DYSTROPHY 4 WITH VARIABLE FEATURES. Identifiers: Orphanet 261, MedGen C2751807, MONDO:0013071, OMIM 612998.
Autosomal recessive ataxia, Beauce type. Also called: SYNE1-Related Autosomal Recessive Cerebellar Ataxia; Spinocerebellar ataxia, autosomal recessive 8; ATAXIA, RECESSIVE, OF BEAUCE; SYNE1 Deficiency. Identifiers: Orphanet 88644, MedGen C1853116, MONDO:0012549, OMIM 610743.

Allele frequency attached by ClinVar (database versions not stated): gnomAD exomes below 0.00001 and 0.00002; TOPMed below 0.00001; gnomAD 0.00001; ExAC 0.00002.
gnomAD v4.1: 23 of 1,613,520 alleles (0.0014%); highest among the groups gnomAD compares: Non-Finnish European, 0.0019%; no homozygotes.

Submissions (2):

PreventionGenetics, part of Exact Sciences
Classification: Uncertain significance for SYNE1-related condition. Last evaluated: 2023-05-10. Review status: criteria provided, single submitter. Criteria: ACMG Guidelines, 2015. Collection method: clinical testing. Allele origin: germline.
Comment: The SYNE1 c.884C>T variant is predicted to result in the amino acid substitution p.Ala295Val. To our knowledge, this variant has not been reported in the literature. This variant is reported in 0.00088% of alleles in individuals of European (Non-Finnish) descent in gnomAD. At this time, the clinical significance of this variant is uncertain due to the absence of conclusive functional and genetic evidence.

Labcorp Genetics (formerly Invitae), Labcorp
Classification: Uncertain significance for Emery-Dreifuss muscular dystrophy 4, autosomal dominant; Autosomal recessive ataxia, Beauce type. Last evaluated: 2021-06-30. Review status: criteria provided, single submitter. Criteria: Invitae Variant Classification Sherloc (09022015). Collection method: clinical testing. Allele origin: germline.
Comment: This sequence change replaces alanine with valine at codon 295 of the SYNE1 protein (p.Ala295Val). The alanine residue is weakly conserved and there is a small physicochemical difference between alanine and valine. This variant is present in population databases (rs746752458, ExAC 0.003%). This variant has not been reported in the literature in individuals affected with SYNE1-related conditions. Algorithms developed to predict the effect of missense changes on protein structure and function output the following: SIFT: "Tolerated"; PolyPhen-2: "Benign"; Align-GVGD: "Class C0". The valine amino acid residue is found in multiple mammalian species, which suggests that this missense change does not adversely affect protein function. Algorithms developed to predict the effect of sequence changes on RNA splicing suggest that this variant may create or strengthen a splice site. In summary, the available evidence is currently insufficient to determine the role of this variant in disease. Therefore, it has been classified as a Variant of Uncertain Significance.

NM_182961.4(SYNE1):c.863C>T (p.Ala288Val)

Gene: SYNE1 (spectrin repeat containing nuclear envelope protein 1; minus strand). Cytogenetic location: 6q25.2.
Variant type: single nucleotide variant.
Coding change: c.863C>T on transcript NM_182961.4 (MANE Select); coding-DNA position 863, C replaced by T.
Protein change: p.Ala288Val; replaces alanine 288 with valine.
Molecular consequence: missense variant.
Genome position (GRCh38, 1-based): chr6:152,502,658, G>A on the plus strand (C>T on the coding strand, the complement: SYNE1 is on the minus strand). VCF-style: chr6-152502658-G-A. GRCh37 (hg19) VCF-style: chr6-152823793-G-A.
Other names: c.884C>T, p.Ala295Val (NM_033071.5); c.884C>T (NM_033071.3); short protein forms A295V, A288V.
Identifiers: ClinVar variation 1394030 (VCV001394030.8), dbSNP rs746752458, ClinGen allele CA4059604.